The following is an entry in ClinVar:

NM_000097.7(CPOX):c.679A>G (p.Lys227Glu)

Gene: CPOX (coproporphyrinogen oxidase; minus strand). Cytogenetic location: 3q11.2.
Variant type: single nucleotide variant.
Coding change: c.679A>G on transcript NM_000097.7 (MANE Select); coding-DNA position 679, A replaced by G.
Protein change: p.Lys227Glu; replaces lysine 227 with glutamic acid.
Molecular consequence: missense variant.
Genome position (GRCh38, 1-based): chr3:98,591,033, T>C on the plus strand (A>G on the coding strand, the complement: CPOX is on the minus strand). VCF-style: chr3-98591033-T-C. GRCh37 (hg19) VCF-style: chr3-98309877-T-C.
Other names: short protein forms K227E.
Identifiers: ClinVar variation 1983087 (VCV001983087.4), dbSNP rs2472116457, ClinGen allele CA353645936.

ClinVar aggregate classification (germline): Uncertain significance (1 of 4 stars; one submission).

Submission:

Labcorp Genetics (formerly Invitae), Labcorp
Classification: Uncertain significance. Last evaluated: 2022-07-19. Review status: criteria provided, single submitter. Criteria: Invitae Variant Classification Sherloc (09022015). Collection method: clinical testing. Allele origin: germline.
Comment: In summary, the available evidence is currently insufficient to determine the role of this variant in disease. Therefore, it has been classified as a Variant of Uncertain Significance. Algorithms developed to predict the effect of missense changes on protein structure and function are either unavailable or do not agree on the potential impact of this missense change (SIFT: "Deleterious"; PolyPhen-2: "Benign"; Align-GVGD: "Class C55"). This variant has not been reported in the literature in individuals affected with CPOX-related conditions. This variant is not present in population databases (gnomAD no frequency). This sequence change replaces lysine, which is basic and polar, with glutamic acid, which is acidic and polar, at codon 227 of the CPOX protein (p.Lys227Glu).